The following is an entry in ClinVar:

ClinVar aggregate classification (germline): Uncertain significance (1 of 4 stars; one submission).

Conditions:
Cohen syndrome (COH1). Also called: PEPPER SYNDROME; Cutis verticis gyrata, retinitis pigmentosa, and sensorineural deafness. Identifiers: Orphanet 193, MedGen C0265223, MONDO:0008999, OMIM 216550.

gnomAD v4.1: 2 of 1,612,836 alleles (0.00012%); highest among the groups gnomAD compares: South Asian, 0.0022%; no homozygotes.

Submission:

Labcorp Genetics (formerly Invitae), Labcorp
Classification: Uncertain significance for Cohen syndrome. Last evaluated: 2025-11-22. Review status: criteria provided, single submitter. Criteria: Invitae Variant Classification Sherloc (09022015). Collection method: clinical testing. Allele origin: germline.
Comment: This sequence change replaces leucine, which is neutral and non-polar, with proline, which is neutral and non-polar, at codon 772 of the VPS13B protein (p.Leu772Pro). This variant is not present in population databases (gnomAD no frequency). This variant has not been reported in the literature in individuals affected with VPS13B-related conditions. Invitae Evidence Modeling of protein sequence and biophysical properties (such as structural, functional, and spatial information, amino acid conservation, physicochemical variation, residue mobility, and thermodynamic stability) indicates that this missense variant is expected to disrupt VPS13B protein function with a positive predictive value of 80%. In summary, the available evidence is currently insufficient to determine the role of this variant in disease. Therefore, it has been classified as a Variant of Uncertain Significance.

NM_152564.5(VPS13B):c.2315T>C (p.Leu772Pro)

Gene: VPS13B (vacuolar protein sorting 13 homolog B; plus strand). Cytogenetic location: 8q22.2.
Variant type: single nucleotide variant.
Coding change: c.2315T>C on transcript NM_152564.5 (MANE Select); coding-DNA position 2315, T replaced by C.
Protein change: p.Leu772Pro; replaces leucine 772 with proline.
Molecular consequence: missense variant.
Genome position (GRCh38, 1-based): chr8:99,170,145, T>C. VCF-style: chr8-99170145-T-C. GRCh37 (hg19) VCF-style: chr8-100182373-T-C.
Other names: c.2315T>C, p.Leu772Pro (NM_017890.5, NM_015243.3); short protein forms L772P.
Identifiers: ClinVar variation 4741776 (VCV004741776.1).
Genomic context (GRCh38, chr8:99,170,145, plus strand): 5'-CTTACTGCTTACCTGTACCAGTTATTCCCTCTTTCAGCACTGCTCTTTATGGGAAACTTC[T>C]GAAACTCCCCACATGCTGGTAAGTCTTACATGTTAAAATGTGATTTATGTTAATTTCCAT-3'
Protein context (NP_689777.3, residues 762-782): SFSTALYGKL[Leu772Pro]KLPTCWTKRS